The following is an entry in ClinVar:

ClinVar aggregate classification (germline): Uncertain significance (1 of 4 stars; one submission).

Submission:

GeneDx
Classification: Uncertain significance. Last evaluated: 2023-11-14. Review status: criteria provided, single submitter. Criteria: GeneDx Variant Classification Process June 2021. Collection method: clinical testing. Allele origin: germline. Affected: yes.
Comment: Not observed at significant frequency in large population cohorts (gnomAD); Nucleotide is not conserved across species and the substitution has no predicted effect on splicing; Has not been previously published as pathogenic or benign to our knowledge

NM_016373.4(WWOX):c.-3dup

Gene: WWOX (WW domain containing oxidoreductase; plus strand). Cytogenetic location: 16q23.1.
Variant type: Duplication.
Coding change: c.-3dup on transcript NM_016373.4 (MANE Select); 3 bases upstream of the start codon, one base duplicated (G; older notation c.-3dupG).
Molecular consequence: 5 prime UTR variant. On other transcripts: non-coding transcript variant (2).
Genome position (GRCh38, 1-based): chr16:78,099,776, G duplicated. VCF-style (leftmost placement, unchanged base first): chr16-78099775-A-AG. GRCh37 (hg19) VCF-style: chr16-78133672-A-AG.
Other names: c.-277dup (NM_001291997.2); c.-3dup (NM_130791.5).
Identifiers: ClinVar variation 3364036 (VCV003364036.1).
Genomic context (GRCh38, chr16:78,099,775, plus strand): 5'-GAGTTCCTGAGCGAGTGGACCCGGCAGCGGGCGATAGGGGGGCCAGGTGCCTCCACAGTC[A>AG]GCCATGGCAGCGCTGCGCTACGCGGGGCTGGACGACACGGACAGTGAGGACGAGCTGCCT-3'